The following is an entry in ClinVar:

ClinVar aggregate classification (germline): Uncertain significance (1 of 4 stars; one submission).

Submission:

GeneDx
Classification: Uncertain significance. Last evaluated: 2022-10-12. Review status: criteria provided, single submitter. Criteria: GeneDx Variant Classification Process June 2021. Collection method: clinical testing. Allele origin: germline. Affected: yes.
Comment: Not observed at significant frequency in large population cohorts (gnomAD); In silico analysis supports that this missense variant has a deleterious effect on protein structure/function; Has not been previously published as pathogenic or benign to our knowledge

NM_006015.6(ARID1A):c.3299T>A (p.Leu1100His)

Gene: ARID1A (AT-rich interaction domain 1A; plus strand). Cytogenetic location: 1p36.11.
Variant type: single nucleotide variant.
Coding change: c.3299T>A on transcript NM_006015.6 (MANE Select); coding-DNA position 3299, T replaced by A.
Protein change: p.Leu1100His; replaces leucine 1100 with histidine.
Molecular consequence: missense variant.
Genome position (GRCh38, 1-based): chr1:26,771,219, T>A. VCF-style: chr1-26771219-T-A. GRCh37 (hg19) VCF-style: chr1-27097710-T-A.
Other names: c.3299T>A, p.Leu1100His (NM_139135.4); short protein forms L1100H.
Identifiers: ClinVar variation 2499384 (VCV002499384.1), dbSNP rs2124097521, ClinGen allele CA339165063.